The following is an entry in ClinVar:

ClinVar aggregate classification (germline): Likely benign (1 of 4 stars; one submission).

Conditions:
SEMA7A-related disorder. Also called: SEMA7A-related condition.

Submission:

PreventionGenetics, part of Exact Sciences
Classification: Likely benign for SEMA7A-related condition. Last evaluated: 2026-06-16. Review status: criteria provided, single submitter. Criteria: ACMG Guidelines, 2015. Collection method: clinical testing. Allele origin: germline.
Comment: This variant is classified as likely benign based on ACMG/AMP sequence variant interpretation guidelines (Richards et al. 2015 PMID: 25741868, with internal and published modifications).

NM_003612.5(SEMA7A):c.1650A>C (p.Pro550=)

Gene: SEMA7A (semaphorin 7A (JohnMiltonHagen blood group); minus strand). Cytogenetic location: 15q24.1.
Variant type: single nucleotide variant.
Coding change: c.1650A>C on transcript NM_003612.5 (MANE Select); coding-DNA position 1650, A replaced by C.
Protein change: p.Pro550=; no amino-acid change (proline 550 retained).
Molecular consequence: synonymous variant.
Genome position (GRCh38, 1-based): chr15:74,410,975, T>G on the plus strand (A>C on the coding strand, the complement: SEMA7A is on the minus strand). VCF-style: chr15-74410975-T-G. GRCh37 (hg19) VCF-style: chr15-74703316-T-G.
Other names: c.1608A>C, p.Pro536= (NM_001146029.3); c.1155A>C, p.Pro385= (NM_001146030.3).
Identifiers: ClinVar variation 4983135 (VCV004983135.1).